The following is an entry in ClinVar:

ClinVar aggregate classification (germline): Likely pathogenic (1 of 4 stars; one submission).

Conditions:
ABCG8-related disorder. Also called: ABCG8-related condition.

gnomAD v4.1: 3 of 1,614,170 alleles (0.00019%); highest among the groups gnomAD compares: Admixed American, 0.0033%; no homozygotes.

Submission:

PreventionGenetics, part of Exact Sciences
Classification: Likely pathogenic for ABCG8-related condition. Last evaluated: 2026-08-28. Review status: criteria provided, single submitter. Criteria: ACMG Guidelines, 2015. Collection method: clinical testing. Allele origin: germline.
Comment: The ABCG8 c.1701C>A variant is predicted to result in premature protein termination (p.Tyr567*). To our knowledge, this variant has not been reported in the literature. This variant is reported in 0.0029% of alleles in individuals of Latino descent in gnomAD. Nonsense variants in ABCG8 are expected to be pathogenic. This variant is interpreted as likely pathogenic.

NM_022437.3(ABCG8):c.1701C>A (p.Tyr567Ter)

Gene: ABCG8 (ATP binding cassette subfamily G member 8; plus strand). Cytogenetic location: 2p21.
Variant type: single nucleotide variant.
Coding change: c.1701C>A on transcript NM_022437.3 (MANE Select); coding-DNA position 1701, C replaced by A.
Protein change: p.Tyr567Ter; replaces tyrosine 567 with a stop codon.
Molecular consequence: nonsense.
Genome position (GRCh38, 1-based): chr2:43,875,358, C>A. VCF-style: chr2-43875358-C-A. GRCh37 (hg19) VCF-style: chr2-44102497-C-A.
Other names: c.1698C>A, p.Tyr566Ter (NM_001357321.2); short protein forms Y566*, Y567*.
Identifiers: ClinVar variation 4990555 (VCV004990555.1).